The following is an entry in ClinVar:

ClinVar aggregate classification (germline): Uncertain significance. Review status: criteria provided, multiple submitters, no conflicts (2 of 4 stars). 2 submissions from 2 submitters: Uncertain significance (2). Last evaluated 2025-02-24.

Conditions:
Inborn genetic diseases. Identifiers: MedGen C0950123, MeSH D030342.
Cerebral creatine deficiency syndrome. Also called: Creatine deficiency syndromes. Identifiers: Orphanet 79172, MedGen C5244016, MONDO:0000456.

Submissions (2):

Labcorp Genetics (formerly Invitae), Labcorp
Classification: Uncertain significance for Cerebral creatine deficiency syndrome. Last evaluated: 2025-02-24. Review status: criteria provided, single submitter. Criteria: Invitae Variant Classification Sherloc (09022015). Collection method: clinical testing. Allele origin: germline.
Comment: This sequence change replaces aspartic acid, which is acidic and polar, with glutamic acid, which is acidic and polar, at codon 219 of the GAMT protein (p.Asp219Glu). This variant is not present in population databases (gnomAD no frequency). This variant has not been reported in the literature in individuals affected with GAMT-related conditions. ClinVar contains an entry for this variant (Variation ID: 1754277). Invitae Evidence Modeling of protein sequence and biophysical properties (such as structural, functional, and spatial information, amino acid conservation, physicochemical variation, residue mobility, and thermodynamic stability) indicates that this missense variant is not expected to disrupt GAMT protein function with a negative predictive value of 95%. In summary, the available evidence is currently insufficient to determine the role of this variant in disease. Therefore, it has been classified as a Variant of Uncertain Significance.

Ambry Genetics
Classification: Uncertain significance for Inborn genetic diseases. Last evaluated: 2018-01-31. Review status: criteria provided, single submitter. Criteria: Ambry Variant Classification Scheme 2023. Collection method: clinical testing. Allele origin: germline.
Comment: The p.D219E variant (also known as c.657C>A), located in coding exon 6 of the GAMT gene, results from a C to A substitution at nucleotide position 657. The aspartic acid at codon 219 is replaced by glutamic acid, an amino acid with highly similar properties. This amino acid position is poorly conserved in available vertebrate species. In addition, this alteration is predicted to be tolerated by in silico analysis. Since supporting evidence is limited at this time, the clinical significance of this alteration remains unclear.

NM_000156.6(GAMT):c.657C>A (p.Asp219Glu)

Gene: GAMT (guanidinoacetate N-methyltransferase; minus strand). Cytogenetic location: 19p13.3.
Variant type: single nucleotide variant.
Coding change: c.657C>A on transcript NM_000156.6 (MANE Select); coding-DNA position 657, C replaced by A.
Protein change: p.Asp219Glu; replaces aspartic acid 219 with glutamic acid.
Molecular consequence: missense variant.
Genome position (GRCh38, 1-based): chr19:1,397,413, G>T on the plus strand (C>A on the coding strand, the complement: GAMT is on the minus strand). VCF-style: chr19-1397413-G-T. GRCh37 (hg19) VCF-style: chr19-1397412-G-T.
Other names: short protein forms D219E.
Identifiers: ClinVar variation 1754277 (VCV001754277.5), dbSNP rs2512221263, ClinGen allele CA402990523.